The following is an entry in ClinVar:

ClinVar aggregate classification (germline): Uncertain significance (1 of 4 stars; one submission).

Conditions:
Fanconi anemia (FA). Also called: Fanconi's anemia. Identifiers: Orphanet 84, MedGen C0015625, MeSH D005199, MONDO:0019391.

Submission:

Labcorp Genetics (formerly Invitae), Labcorp
Classification: Uncertain significance for Fanconi anemia. Last evaluated: 2024-01-03. Review status: criteria provided, single submitter. Criteria: Invitae Variant Classification Sherloc (09022015). Collection method: clinical testing. Allele origin: germline.
Comment: This sequence change replaces glutamic acid, which is acidic and polar, with glycine, which is neutral and non-polar, at codon 1108 of the FANCD2 protein (p.Glu1108Gly). This variant is not present in population databases (gnomAD no frequency). This variant has not been reported in the literature in individuals affected with FANCD2-related conditions. Advanced modeling of protein sequence and biophysical properties (such as structural, functional, and spatial information, amino acid conservation, physicochemical variation, residue mobility, and thermodynamic stability) performed at Invitae indicates that this missense variant is not expected to disrupt FANCD2 protein function with a negative predictive value of 80%. In summary, the available evidence is currently insufficient to determine the role of this variant in disease. Therefore, it has been classified as a Variant of Uncertain Significance.

NM_001018115.3(FANCD2):c.3323A>G (p.Glu1108Gly)

Genes: FANCD2 (FA complementation group D2; plus strand), FANCD2OS (FANCD2 opposite strand; minus strand). Cytogenetic location: 3p25.3.
Variant type: single nucleotide variant.
Coding change: c.3323A>G on transcript NM_001018115.3 (MANE Select); coding-DNA position 3323, A replaced by G.
Protein change: p.Glu1108Gly; replaces glutamic acid 1108 with glycine.
Molecular consequence: missense variant. On other transcripts: intron variant (1).
Genome position (GRCh38, 1-based): chr3:10,085,910, A>G. VCF-style: chr3-10085910-A-G. GRCh37 (hg19) VCF-style: chr3-10127594-A-G.
Other names: c.3323A>G, p.Glu1108Gly (NM_001319984.2, NM_001374254.1, NM_033084.6); c.3212A>G, p.Glu1071Gly (NM_001374253.1); c.*44-4379T>C (NM_173472.2); short protein forms E1071G, E1108G.
Identifiers: ClinVar variation 2732273 (VCV002732273.3), dbSNP rs2470034800, ClinGen allele CA351751449.